The following is an entry in ClinVar:

NM_005720.4(ARPC1B):c.648C>T (p.Arg216=)

Gene: ARPC1B (actin related protein 2/3 complex subunit 1B; plus strand). Cytogenetic location: 7q22.1.
Variant type: single nucleotide variant.
Coding change: c.648C>T on transcript NM_005720.4 (MANE Select); coding-DNA position 648, C replaced by T.
Protein change: p.Arg216=; no amino-acid change (arginine 216 retained).
Molecular consequence: synonymous variant.
Genome position (GRCh38, 1-based): chr7:99,391,040, C>T. VCF-style: chr7-99391040-C-T. GRCh37 (hg19) VCF-style: chr7-98988663-C-T.
Other names: c.648C>T (NM_005720.3).
Identifiers: ClinVar variation 1530054 (VCV001530054.33), dbSNP rs117071116, ClinGen allele CA4364077.
Genomic context (GRCh38, chr7:99,391,040, plus strand): 5'-CGAATCCAGCAGTAGCTGCGGCTGGGTACATGGCGTCTGTTTCTCAGCCAGCGGGAGCCG[C>T]GTGGCCTGGGTAAGCCACGACAGCACCGTCTGCCTGGCTGATGCCGACAAGAAGATGGCG-3'
Protein context (NP_005711.1, residues 206-226): HGVCFSASGS[Arg216=]VAWVSHDSTV

ClinVar aggregate classification (germline): Benign/Likely benign. Review status: criteria provided, multiple submitters, no conflicts (2 of 4 stars). 4 submissions from 4 submitters: Benign (1); Likely benign (2). 1 of the submissions does not count toward it. Last evaluated 2026-07-01.

Conditions:
ARPC1B-related disorder. Also called: ARPC1B-related condition.

Allele frequency attached by ClinVar (database versions not stated): ESP Exome Variant Server 0.00015; gnomAD 0.00027 and 0.00043; TOPMed 0.00039; gnomAD exomes 0.00055 and 0.00099; ExAC 0.00108; 1000 Genomes Project 30x 0.00125; 1000 Genomes Project 0.00160.
gnomAD v4.1: 871 of 1,613,996 alleles (0.054%); highest among the groups gnomAD compares: East Asian, 1.2%; 7 homozygotes.

Submissions (4):

CeGaT Center for Human Genetics Tuebingen
Classification: Likely benign. Last evaluated: 2026-07-01. Review status: criteria provided, single submitter. Criteria: CeGaT Center For Human Genetics Tuebingen Variant Classification Criteria Version 2. Collection method: clinical testing. Allele origin: germline. Affected: yes. Observed: 2 variant alleles.
Comment: ARPC1B: BP4, BP7, BS1

Labcorp Genetics (formerly Invitae), Labcorp
Classification: Benign. Last evaluated: 2025-12-22. Review status: criteria provided, single submitter. Criteria: Invitae Variant Classification Sherloc (09022015). Collection method: clinical testing. Allele origin: germline.

Blueprint Genetics
Classification: Likely benign. Last evaluated: 2024-11-14. Review status: criteria provided, single submitter. Criteria: ACMG Guidelines, 2015. Collection method: clinical testing. Allele origin: germline.

PreventionGenetics, part of Exact Sciences
Classification: Benign for ARPC1B-related condition. Last evaluated: 2019-09-23. Review status: no assertion criteria provided. Collection method: clinical testing. Allele origin: germline. Not counted in ClinVar's aggregate classification.
Comment: This variant is classified as benign based on ACMG/AMP sequence variant interpretation guidelines (Richards et al. 2015 PMID: 25741868, with internal and published modifications).